The following is an entry in ClinVar:

ClinVar aggregate classification (germline): Uncertain significance. Review status: criteria provided, multiple submitters, no conflicts (2 of 4 stars). 2 submissions from 2 submitters: Uncertain significance (2). Last evaluated 2025-10-18.

Conditions:
Hereditary cancer-predisposing syndrome. Also called: Tumor predisposition; Hereditary Cancer Syndrome; Hereditary neoplastic syndrome; Neoplastic Syndromes, Hereditary. Identifiers: Orphanet 140162, MedGen C0027672, MeSH D009386, MONDO:0015356.
POLD1-related polyposis and colorectal cancer syndrome (CRCS10). Also called: Colorectal cancer 10; COLORECTAL CANCER, SUSCEPTIBILITY TO, ON CHROMOSOME 19q; Colorectal cancer, susceptibility to, 10. Identifiers: Orphanet 220460, MedGen C2675481, MONDO:0012953, OMIM 612591.

Allele frequency attached by ClinVar (database versions not stated): gnomAD exomes below 0.00001.
gnomAD v4.1: 3 of 1,595,036 alleles (0.00019%); highest among the groups gnomAD compares: Non-Finnish European, 0.00026%; no homozygotes.

Submissions (2):

Labcorp Genetics (formerly Invitae), Labcorp
Classification: Uncertain significance for POLD1-related polyposis and colorectal cancer syndrome. Last evaluated: 2025-10-18. Review status: criteria provided, single submitter. Criteria: Invitae Variant Classification Sherloc (09022015). Collection method: clinical testing. Allele origin: germline.
Comment: This sequence change replaces histidine, which is basic and polar, with tyrosine, which is neutral and polar, at codon 298 of the POLD1 protein (p.His298Tyr). This variant is not present in population databases (gnomAD no frequency). This variant has not been reported in the literature in individuals affected with POLD1-related conditions. ClinVar contains an entry for this variant (Variation ID: 835611). Invitae Evidence Modeling of protein sequence and biophysical properties (such as structural, functional, and spatial information, amino acid conservation, physicochemical variation, residue mobility, and thermodynamic stability) indicates that this missense variant is not expected to disrupt POLD1 protein function with a negative predictive value of 80%. In summary, the available evidence is currently insufficient to determine the role of this variant in disease. Therefore, it has been classified as a Variant of Uncertain Significance.

Ambry Genetics
Classification: Uncertain significance for Hereditary cancer-predisposing syndrome. Last evaluated: 2024-10-27. Review status: criteria provided, single submitter. Criteria: Ambry Variant Classification Scheme 2023. Collection method: clinical testing. Allele origin: germline.
Comment: The p.H298Y variant (also known as c.892C>T), located in coding exon 7 of the POLD1 gene, results from a C to T substitution at nucleotide position 892. The histidine at codon 298 is replaced by tyrosine, an amino acid with similar properties. This amino acid position is conserved. In addition, this alteration is predicted to be tolerated by in silico analysis. Based on the available evidence, the clinical significance of this variant remains unclear.

NM_002691.4(POLD1):c.892C>T (p.His298Tyr)

Gene: POLD1 (DNA polymerase delta 1, catalytic subunit; plus strand). Cytogenetic location: 19q13.33.
Variant type: single nucleotide variant.
Coding change: c.892C>T on transcript NM_002691.4 (MANE Select); coding-DNA position 892, C replaced by T.
Protein change: p.His298Tyr; replaces histidine 298 with tyrosine.
Molecular consequence: missense variant. On other transcripts: non-coding transcript variant (1).
Genome position (GRCh38, 1-based): chr19:50,402,663, C>T. VCF-style: chr19-50402663-C-T. GRCh37 (hg19) VCF-style: chr19-50905920-C-T.
Other names: c.892C>T, p.His298Tyr (NM_001256849.1, NM_001308632.1); c.892C>T (NM_002691.2); short protein forms H298Y.
Identifiers: ClinVar variation 835611 (VCV000835611.10), dbSNP rs2038700651, ClinGen allele CA406976939.